The following is an entry in ClinVar:

ClinVar aggregate classification (germline): Uncertain significance (1 of 4 stars; one submission).

Conditions:
Catecholaminergic polymorphic ventricular tachycardia 1. Also called: VENTRICULAR TACHYCARDIA, CATECHOLAMINERGIC POLYMORPHIC, 1, WITH OR WITHOUT ATRIAL DYSFUNCTION AND/OR DILATED CARDIOMYOPATHY; RYR2-Related Catecholaminergic Polymorphic Ventricular Tachycardia; VENTRICULAR TACHYCARDIA, STRESS-INDUCED POLYMORPHIC 1. Identifiers: Orphanet 3286, MedGen C1631597, MONDO:0011484, OMIM 604772.

Allele frequency attached by ClinVar (database versions not stated): TOPMed below 0.00001; gnomAD 0.00001.

Submission:

Labcorp Genetics (formerly Invitae), Labcorp
Classification: Uncertain significance for Catecholaminergic polymorphic ventricular tachycardia 1. Last evaluated: 2017-09-28. Review status: criteria provided, single submitter. Criteria: Invitae Variant Classification Sherloc (09022015). Collection method: clinical testing. Allele origin: germline.
Comment: This variant is not present in population databases (ExAC no frequency). This variant has not been reported in the literature in individuals with TRDN-related disease. Algorithms developed to predict the effect of missense changes on protein structure and function do not agree on the potential impact of this missense change (SIFT: "Tolerated"; PolyPhen-2: "Probably Damaging"; Align-GVGD: "Class C0"). In summary, the available evidence is currently insufficient to determine the role of this variant in disease. Therefore, it has been classified as a Variant of Uncertain Significance. This sequence change replaces alanine with valine at codon 268 of the TRDN protein (p.Ala268Val). The alanine residue is moderately conserved and there is a small physicochemical difference between alanine and valine.

NM_006073.4(TRDN):c.803C>T (p.Ala268Val)

Gene: TRDN (triadin; minus strand). Cytogenetic location: 6q22.31.
Variant type: single nucleotide variant.
Coding change: c.803C>T on transcript NM_006073.4 (MANE Select); coding-DNA position 803, C replaced by T.
Protein change: p.Ala268Val; replaces alanine 268 with valine.
Molecular consequence: missense variant. On other transcripts: intron variant (1).
Genome position (GRCh38, 1-based): chr6:123,497,243, G>A on the plus strand (C>T on the coding strand, the complement: TRDN is on the minus strand). VCF-style: chr6-123497243-G-A. GRCh37 (hg19) VCF-style: chr6-123818388-G-A.
Other names: c.803C>T, p.Ala268Val (NM_001251987.2); c.793+6476C>T (NM_001256020.2); short protein forms A268V.
Identifiers: ClinVar variation 532329 (VCV000532329.10), dbSNP rs1465535140, ClinGen allele CA365567346.
Genomic context (GRCh38, chr6:123,497,243, plus strand): 5'-CTTGGAATACCTGGTTTTAAATCCCCATGGACAAATATGTCAATCATATATCGACAGAAT[G>A]CATACTGATCTGACAGAGTAGAAAGAAAAAGAGCAATGAAAAAATGTCATCAACACTTCA-3'
Protein context (NP_006064.2, residues 258-278): VSKHEQKDQY[Ala268Val]FCRYMIDIFV